The following is an entry in ClinVar:

NM_013291.3(CPSF1):c.1190C>T (p.Thr397Met)

Gene: CPSF1 (cleavage and polyadenylation specific factor 1; minus strand). Cytogenetic location: 8q24.3.
Variant type: single nucleotide variant.
Coding change: c.1190C>T on transcript NM_013291.3 (MANE Select); coding-DNA position 1190, C replaced by T.
Protein change: p.Thr397Met; replaces threonine 397 with methionine.
Molecular consequence: missense variant.
Genome position (GRCh38, 1-based): chr8:144,399,640, G>A on the plus strand (C>T on the coding strand, the complement: CPSF1 is on the minus strand). VCF-style: chr8-144399640-G-A. GRCh37 (hg19) VCF-style: chr8-145625030-G-A.
Other names: short protein forms T397M.
Identifiers: ClinVar variation 3050819 (VCV003050819.3), dbSNP rs1226042676, ClinGen allele CA372669302.
Genomic context (GRCh38, chr8:144,399,640, plus strand): 5'-AAACCCACCTTGTCGGCAGCCTCACGGACAGCACTGGCCGGGGGCTCCTGCAGCTTCTCC[G>A]TGTACTTGAGGAGGAGGGAATTGCCCAGGCGAGAACCCAGGAACAGGTACCCGGGCTCCA-3'
Protein context (NP_037423.2, residues 387-407): RLGNSLLLKY[Thr397Met]EKLQEPPASA

ClinVar aggregate classification (germline): Uncertain significance (1 of 4 stars; one submission).

Conditions:
CPSF1-related disorder. Also called: CPSF1-related condition.

Allele frequency attached by ClinVar (database versions not stated): gnomAD exomes below 0.00001; gnomAD 0.00001; TOPMed 0.00002.
gnomAD v4.1: 6 of 1,610,340 alleles (0.00037%); highest among the groups gnomAD compares: Non-Finnish European, 0.00051%; no homozygotes.

Submission:

PreventionGenetics, part of Exact Sciences
Classification: Uncertain significance for CPSF1-related condition. Last evaluated: 2024-12-30. Review status: criteria provided, single submitter. Criteria: ACMG Guidelines, 2015. Collection method: clinical testing. Allele origin: germline.
Comment: The CPSF1 c.1190C>T variant is predicted to result in the amino acid substitution p.Thr397Met. To our knowledge, this variant has not been reported in the literature. This variant is reported in 0.00092% of alleles in individuals of European (non-Finnish) descent in gnomAD. At this time, the clinical significance of this variant is uncertain due to the absence of conclusive functional and genetic evidence.